The following is an entry in ClinVar:

NM_181882.3(PRX):c.1768G>A (p.Val590Met)

Gene: PRX (periaxin; minus strand). Cytogenetic location: 19q13.2.
Variant type: single nucleotide variant.
Coding change: c.1768G>A on transcript NM_181882.3 (MANE Select); coding-DNA position 1768, G replaced by A.
Protein change: p.Val590Met; replaces valine 590 with methionine.
Molecular consequence: missense variant. On other transcripts: 3 prime UTR variant (1).
Genome position (GRCh38, 1-based): chr19:40,396,584, C>T on the plus strand (G>A on the coding strand, the complement: PRX is on the minus strand). VCF-style: chr19-40396584-C-T. GRCh37 (hg19) VCF-style: chr19-40902491-C-T.
Other names: c.1768G>A (NM_181882.2); c.*1973G>A (NM_020956.2); short protein forms V590M.
Identifiers: ClinVar variation 1055883 (VCV001055883.10), dbSNP rs1278199971, ClinGen allele CA405897710.

ClinVar aggregate classification (germline): Uncertain significance. Review status: criteria provided, multiple submitters, no conflicts (2 of 4 stars). 2 submissions from 2 submitters: Uncertain significance (2). Last evaluated 2026-02-24.

Conditions:
Charcot-Marie-Tooth disease type 4. Also called: Charcot-Marie-Tooth disease, type IV; Charcot-Marie-Tooth, Type 4. Identifiers: Orphanet 64749, MedGen C4082197, MONDO:0018995.
PRX-related disorder. Also called: PRX-related condition; PRX-Related Disorders.

Allele frequency attached by ClinVar (database versions not stated): gnomAD exomes below 0.00001 and 0.00001.
gnomAD v4.1: 4 of 1,613,864 alleles (0.00025%); highest among the groups gnomAD compares: Non-Finnish European, 0.00034%; no homozygotes.

Submissions (2):

PreventionGenetics, part of Exact Sciences
Classification: Uncertain significance for PRX-related condition. Last evaluated: 2026-02-24. Review status: criteria provided, single submitter. Criteria: ACMG Guidelines, 2015. Collection method: clinical testing. Allele origin: germline.
Comment: The PRX c.1768G>A variant is predicted to result in the amino acid substitution p.Val590Met. To our knowledge, this variant has not been reported in the literature. This variant is reported in 0.00088% of alleles in individuals of European (non-Finnish) descent in gnomAD. At this time, the clinical significance of this variant is uncertain due to the absence of conclusive functional and genetic evidence.

Labcorp Genetics (formerly Invitae), Labcorp
Classification: Uncertain significance for Charcot-Marie-Tooth disease type 4. Last evaluated: 2021-08-03. Review status: criteria provided, single submitter. Criteria: Invitae Variant Classification Sherloc (09022015). Collection method: clinical testing. Allele origin: germline.
Comment: In summary, the available evidence is currently insufficient to determine the role of this variant in disease. Therefore, it has been classified as a Variant of Uncertain Significance. Algorithms developed to predict the effect of missense changes on protein structure and function output the following: SIFT: "Tolerated"; PolyPhen-2: "Possibly Damaging"; Align-GVGD: "Class C0". The methionine amino acid residue is found in multiple mammalian species, suggesting that this missense change does not adversely affect protein function. These predictions have not been confirmed by published functional studies and their clinical significance is uncertain. This variant has not been reported in the literature in individuals with PRX-related conditions. This variant is not present in population databases (ExAC no frequency). This sequence change replaces valine with methionine at codon 590 of the PRX protein (p.Val590Met). The valine residue is moderately conserved and there is a small physicochemical difference between valine and methionine.